The following is an entry in ClinVar:

ClinVar aggregate classification (germline): Uncertain significance. Review status: criteria provided, single submitter (1 of 4 stars). 2 submissions from 2 submitters: Uncertain significance (1). 1 of the submissions does not count toward it. Last evaluated 2023-11-08.

Conditions:
Ventricular arrhythmias due to cardiac ryanodine receptor calcium release deficiency syndrome. Also called: Autosomal dominant cardiac arrhythmia (Kuhn). Identifiers: MedGen C5542154, MONDO:0020745, OMIM 115000.
Catecholaminergic polymorphic ventricular tachycardia 1. Also called: VENTRICULAR TACHYCARDIA, STRESS-INDUCED POLYMORPHIC 1; VENTRICULAR TACHYCARDIA, CATECHOLAMINERGIC POLYMORPHIC, 1, WITH OR WITHOUT ATRIAL DYSFUNCTION AND/OR DILATED CARDIOMYOPATHY; RYR2-Related Catecholaminergic Polymorphic Ventricular Tachycardia. Identifiers: Orphanet 3286, MedGen C1631597, MONDO:0011484, OMIM 604772.

Submissions (2):

Labcorp Genetics (formerly Invitae), Labcorp
Classification: Uncertain significance for Catecholaminergic polymorphic ventricular tachycardia 1. Last evaluated: 2023-11-08. Review status: criteria provided, single submitter. Criteria: Invitae Variant Classification Sherloc (09022015). Collection method: clinical testing. Allele origin: germline.
Comment: This sequence change replaces alanine, which is neutral and non-polar, with glycine, which is neutral and non-polar, at codon 4860 of the RYR2 protein (p.Ala4860Gly). This variant is not present in population databases (gnomAD no frequency). This missense change has been observed in individual(s) with RYR2-related conditions (PMID: 12093772). ClinVar contains an entry for this variant (Variation ID: 12963). Advanced modeling of protein sequence and biophysical properties (such as structural, functional, and spatial information, amino acid conservation, physicochemical variation, residue mobility, and thermodynamic stability) performed at Invitae indicates that this missense variant is expected to disrupt RYR2 protein function with a positive predictive value of 95%. Experimental studies have shown that this missense change affects RYR2 function (PMID: 25775566, 33536282). In summary, the available evidence is currently insufficient to determine the role of this variant in disease. Therefore, it has been classified as a Variant of Uncertain Significance.

OMIM
Classification: Pathogenic for VENTRICULAR ARRHYTHMIAS DUE TO CARDIAC RYANODINE RECEPTOR CALCIUM RELEASE DEFICIENCY SYNDROME. Last evaluated: 2007-11-13. Review status: no assertion criteria provided. Collection method: literature only. Allele origin: germline. Not counted in ClinVar's aggregate classification.

Literature cited by the submitters: PubMed 12093772 (cited by Labcorp Genetics (formerly Invitae), Labcorp and OMIM); PubMed 25775566 (cited by Labcorp Genetics (formerly Invitae), Labcorp and OMIM); PubMed 33536282 (cited by Labcorp Genetics (formerly Invitae), Labcorp and OMIM); PubMed 17984046 (cited by OMIM).

NM_001035.3(RYR2):c.14579C>G (p.Ala4860Gly)

Gene: RYR2 (ryanodine receptor 2; plus strand). Cytogenetic location: 1q43.
Variant type: single nucleotide variant.
Coding change: c.14579C>G on transcript NM_001035.3 (MANE Select); coding-DNA position 14579, C replaced by G.
Protein change: p.Ala4860Gly; replaces alanine 4860 with glycine.
Molecular consequence: missense variant.
Genome position (GRCh38, 1-based): chr1:237,819,181, C>G. VCF-style: chr1-237819181-C-G. GRCh37 (hg19) VCF-style: chr1-237982481-C-G.
Other names: c.14579C>G, p.Ala4860Gly (LRG_402t1); short protein forms A4860G.
Identifiers: ClinVar variation 12963 (VCV000012963.11), dbSNP rs121918606, ClinGen allele CA008311.